The following is an entry in ClinVar:

NM_001042492.3(NF1):c.3975-18A>T

Gene: NF1 (neurofibromin 1; plus strand). Cytogenetic location: 17q11.2.
Variant type: single nucleotide variant.
Coding change: c.3975-18A>T on transcript NM_001042492.3 (MANE Select); 18 bases into the intron before coding-DNA position 3975, A replaced by T.
Molecular consequence: intron variant.
Genome position (GRCh38, 1-based): chr17:31,248,966, A>T. VCF-style: chr17-31248966-A-T. GRCh37 (hg19) VCF-style: chr17-29575984-A-T.
Other names: c.3975-18A>T (NM_000267.4).
Identifiers: ClinVar variation 1593594 (VCV001593594.10), dbSNP rs2151451232, ClinGen allele CA2573153299.

ClinVar aggregate classification (germline): Likely benign. Review status: criteria provided, multiple submitters, no conflicts (2 of 4 stars). 2 submissions from 2 submitters: Likely benign (2). Last evaluated 2026-09-23.

Conditions:
Neurofibromatosis, type 1 (NF1). Also called: NEUROFIBROMATOSIS, TYPE I, SOMATIC; Neurofibromatosis, type I; VON RECKLINGHAUSEN DISEASE; Peripheral type neurofibromatosis. Identifiers: Orphanet 636, MedGen C0027831, MONDO:0018975, OMIM 162200. Disease mechanism: loss of function.

Submissions (2):

Myriad Genetics, Inc.
Classification: Likely benign for Neurofibromatosis, type 1. Last evaluated: 2026-09-23. Review status: criteria provided, single submitter. Criteria: Myriad Autosomal Dominant, Autosomal Recessive and X-Linked Classification Criteria (2023). Collection method: clinical testing. Allele origin: unknown.
Comment: This variant is considered likely benign. This variant is intronic and is not expected to impact mRNA splicing.

Labcorp Genetics (formerly Invitae), Labcorp
Classification: Likely benign for Neurofibromatosis, type 1. Last evaluated: 2023-09-17. Review status: criteria provided, single submitter. Criteria: Invitae Variant Classification Sherloc (09022015). Collection method: clinical testing. Allele origin: germline.